The following is an entry in ClinVar:

NM_004859.4(CLTC):c.4199A>G (p.Asn1400Ser)

Genes: CLTC (clathrin heavy chain; plus strand), LOC126862609 (CDK7 strongly-dependent group 2 enhancer GRCh37_chr17:57760547-57761746; plus strand). Cytogenetic location: 17q23.1.
Variant type: single nucleotide variant.
Coding change: c.4199A>G on transcript NM_004859.4 (MANE Select); coding-DNA position 4199, A replaced by G.
Protein change: p.Asn1400Ser; replaces asparagine 1400 with serine.
Molecular consequence: missense variant.
Genome position (GRCh38, 1-based): chr17:59,683,632, A>G. VCF-style: chr17-59683632-A-G. GRCh37 (hg19) VCF-style: chr17-57760993-A-G.
Other names: c.4211A>G, p.Asn1404Ser (NM_001288653.2); short protein forms N1400S, N1404S.
Identifiers: ClinVar variation 4886009 (VCV004886009.2).

ClinVar aggregate classification (germline): Uncertain significance (1 of 4 stars; one submission).

gnomAD v4.1: 2 of 1,614,110 alleles (0.00012%); highest among the groups gnomAD compares: Non-Finnish European, 0.00017%; no homozygotes.

Submission:

Dasa
Classification: Uncertain significance. Last evaluated: 2025-11-19. Review status: criteria provided, single submitter. Criteria: DASA Assertion Criteria. Collection method: clinical testing. Allele origin: germline.
Comment: NM_004859.4(CLTC):c.4199A>G (p.Asn1400Ser) is a missense variant that results in the substitution of asparagine with serine. This variant is rare in population databases. The currently available literature and clinical evidence are not sufficient to establish a definitive association between this variant and the reported condition. Therefore, this variant is classified as a variant of uncertain significance.